The following is an entry in ClinVar:

ClinVar aggregate classification (germline): Uncertain significance (1 of 4 stars; one submission).

Submission:

GeneDx
Classification: Uncertain significance. Last evaluated: 2026-09-26. Review status: criteria provided, single submitter. Criteria: GeneDx Variant Classification Process June 2021. Collection method: clinical testing. Allele origin: germline.
Comment: Not observed at significant frequency in large population cohorts (gnomAD); In silico analysis supports that this missense variant has a deleterious effect on protein structure/function; Has not been previously published as pathogenic or benign to our knowledge.

NM_003200.5(TCF3):c.1921C>T (p.His641Tyr)

Gene: TCF3 (transcription factor 3; minus strand). Cytogenetic location: 19p13.3.
Variant type: single nucleotide variant.
Coding change: c.1921C>T on transcript NM_003200.5 (MANE Select); coding-DNA position 1921, C replaced by T.
Protein change: p.His641Tyr; replaces histidine 641 with tyrosine.
Molecular consequence: missense variant.
Genome position (GRCh38, 1-based): chr19:1,611,751, G>A on the plus strand (C>T on the coding strand, the complement: TCF3 is on the minus strand). VCF-style: chr19-1611751-G-A. GRCh37 (hg19) VCF-style: chr19-1611750-G-A.
Other names: c.1912C>T, p.His638Tyr (NM_001136139.4, NM_001351779.2); c.1918C>T, p.His640Tyr (NM_001351778.2); short protein forms H638Y, H640Y, H641Y.
Identifiers: ClinVar variation 3600715 (VCV003600715.2).